The following is an entry in ClinVar:

ClinVar aggregate classification (germline): Uncertain significance. Review status: criteria provided, multiple submitters, no conflicts (2 of 4 stars). 2 submissions from 2 submitters: Uncertain significance (2). Last evaluated 2025-08-11.

Conditions:
Cardiovascular phenotype. Identifiers: MedGen CN230736.

Allele frequency attached by ClinVar (database versions not stated): gnomAD 0.00001 and 0.00002; TOPMed 0.00001; gnomAD exomes 0.00003 and 0.00006; ExAC 0.00004.
gnomAD v4.1: 46 of 1,573,574 alleles (0.0029%); highest among the groups gnomAD compares: South Asian, 0.036%; 1 homozygote.

Submissions (2):

Labcorp Genetics (formerly Invitae), Labcorp
Classification: Uncertain significance. Last evaluated: 2025-08-11. Review status: criteria provided, single submitter. Criteria: Invitae Variant Classification Sherloc (09022015). Collection method: clinical testing. Allele origin: germline.
Comment: This sequence change replaces glycine, which is neutral and non-polar, with aspartic acid, which is acidic and polar, at codon 1150 of the ALPK3 protein (p.Gly1150Asp). This variant is present in population databases (rs774855948, gnomAD 0.04%). This variant has not been reported in the literature in individuals affected with ALPK3-related conditions. ClinVar contains an entry for this variant (Variation ID: 1352821). Invitae Evidence Modeling of protein sequence and biophysical properties (such as structural, functional, and spatial information, amino acid conservation, physicochemical variation, residue mobility, and thermodynamic stability) indicates that this missense variant is not expected to disrupt ALPK3 protein function with a negative predictive value of 80%. In summary, the available evidence is currently insufficient to determine the role of this variant in disease. Therefore, it has been classified as a Variant of Uncertain Significance.

Ambry Genetics
Classification: Uncertain significance for Cardiovascular phenotype. Last evaluated: 2021-05-18. Review status: criteria provided, single submitter. Criteria: Ambry Variant Classification Scheme 2023. Collection method: clinical testing. Allele origin: germline.
Comment: The p.G1150D variant (also known as c.3449G>A), located in coding exon 6 of the ALPK3 gene, results from a G to A substitution at nucleotide position 3449. The glycine at codon 1150 is replaced by aspartic acid, an amino acid with similar properties. This amino acid position is not well conserved in available vertebrate species, and aspartic acid is the reference amino acid in other vertebrate species. In addition, this alteration is predicted to be tolerated by in silico analysis. Since supporting evidence is limited at this time, the clinical significance of this alteration remains unclear.

NM_020778.5(ALPK3):c.2843G>A (p.Gly948Asp)

Gene: ALPK3 (alpha kinase 3; plus strand). Cytogenetic location: 15q25.3.
Variant type: single nucleotide variant.
Coding change: c.2843G>A on transcript NM_020778.5 (MANE Select); coding-DNA position 2843, G replaced by A.
Protein change: p.Gly948Asp; replaces glycine 948 with aspartic acid.
Molecular consequence: missense variant.
Genome position (GRCh38, 1-based): chr15:84,857,581, G>A. VCF-style: chr15-84857581-G-A. GRCh37 (hg19) VCF-style: chr15-85400812-G-A.
Other names: short protein forms G948D.
Identifiers: ClinVar variation 1352821 (VCV001352821.8), dbSNP rs774855948, ClinGen allele CA7709506.
Genomic context (GRCh38, chr15:84,857,581, plus strand): 5'-TGGCCACCAGCAGTGAGGGGGCCTGCGCCCAGGTACCAGATGTGGAGGGGCGGACCCCAG[G>A]TCCCCGGAGCTGTGACCCTGGCCTCATAGATTCCCTGAAGAACTACCTGCTTCTGCTGCT-3'
Protein context (NP_065829.4, residues 938-958): QVPDVEGRTP[Gly948Asp]PRSCDPGLID